The following is an entry in ClinVar:

ClinVar aggregate classification (germline): Uncertain significance. Review status: criteria provided, multiple submitters, no conflicts (2 of 4 stars). 4 submissions from 4 submitters: Uncertain significance (4). Last evaluated 2025-10-09.

Conditions:
BRIP1-related disorder. Also called: BRIP1-related condition; BRIP1-related disorders. Identifiers: MedGen CN239206.
Hereditary cancer-predisposing syndrome. Also called: Neoplastic Syndromes, Hereditary; Hereditary neoplastic syndrome; Hereditary Cancer Syndrome; Tumor predisposition. Identifiers: Orphanet 140162, MedGen C0027672, MeSH D009386, MONDO:0015356.
Familial cancer of breast. Also called: BREAST CANCER, FAMILIAL; Hereditary breast cancer; hereditary breast carcinoma. Identifiers: Orphanet 227535, MedGen C0346153, MONDO:0016419, OMIM 114480. Disease mechanism: loss of function.
Fanconi anemia complementation group J. Also called: BRIP1-Related Fanconi Anemia. Identifiers: Orphanet 84, MedGen C1836860, MONDO:0012187, OMIM 609054.

Allele frequency attached by ClinVar (database versions not stated): TOPMed 0.00001.
gnomAD v4.1: 1 of 1,613,558 alleles (0.000062%); highest among the groups gnomAD compares: Non-Finnish European, 0.000085%; no homozygotes.

Submissions (4):

PreventionGenetics, part of Exact Sciences
Classification: Uncertain significance for BRIP1-related condition. Last evaluated: 2025-10-09. Review status: criteria provided, single submitter. Criteria: ACMG Guidelines, 2015. Collection method: clinical testing. Allele origin: germline.
Comment: The BRIP1 c.1309C>G variant is predicted to result in the amino acid substitution p.Pro437Ala. To our knowledge, this variant has not been reported in the literature or in a large population database (gnomAD), indicating this variant is rare. At this time, the clinical significance of this variant is uncertain due to the absence of conclusive functional and genetic evidence.

GeneDx
Classification: Uncertain significance. Last evaluated: 2025-02-20. Review status: criteria provided, single submitter. Criteria: GeneDx Variant Classification Process June 2021. Collection method: clinical testing. Allele origin: germline. Affected: yes.
Comment: Not observed at significant frequency in large population cohorts (gnomAD); In silico analysis supports that this missense variant has a deleterious effect on protein structure/function; Has not been previously published as pathogenic or benign to our knowledge

Labcorp Genetics (formerly Invitae), Labcorp
Classification: Uncertain significance for Familial cancer of breast; Fanconi anemia complementation group J. Last evaluated: 2024-11-04. Review status: criteria provided, single submitter. Criteria: Invitae Variant Classification Sherloc (09022015). Collection method: clinical testing. Allele origin: germline.
Comment: This sequence change replaces proline, which is neutral and non-polar, with alanine, which is neutral and non-polar, at codon 437 of the BRIP1 protein (p.Pro437Ala). This variant is not present in population databases (gnomAD no frequency). This variant has not been reported in the literature in individuals affected with BRIP1-related conditions. ClinVar contains an entry for this variant (Variation ID: 241625). Invitae Evidence Modeling of protein sequence and biophysical properties (such as structural, functional, and spatial information, amino acid conservation, physicochemical variation, residue mobility, and thermodynamic stability) indicates that this missense variant is not expected to disrupt BRIP1 protein function with a negative predictive value of 95%. In summary, the available evidence is currently insufficient to determine the role of this variant in disease. Therefore, it has been classified as a Variant of Uncertain Significance.

Ambry Genetics
Classification: Uncertain significance for Hereditary cancer-predisposing syndrome. Last evaluated: 2019-03-25. Review status: criteria provided, single submitter. Criteria: Ambry Variant Classification Scheme 2023. Collection method: clinical testing. Allele origin: germline.
Comment: The p.P437A variant (also known as c.1309C>G), located in coding exon 8 of the BRIP1 gene, results from a C to G substitution at nucleotide position 1309. The proline at codon 437 is replaced by alanine, an amino acid with highly similar properties. This amino acid position is well conserved in available vertebrate species. In addition, the in silico prediction for this alteration is inconclusive. Since supporting evidence is limited at this time, the clinical significance of this alteration remains unclear.

NM_032043.3(BRIP1):c.1309C>G (p.Pro437Ala)

Gene: BRIP1 (BRCA1 interacting DNA helicase 1; minus strand). Cytogenetic location: 17q23.2.
Variant type: single nucleotide variant.
Coding change: c.1309C>G on transcript NM_032043.3 (MANE Select); coding-DNA position 1309, C replaced by G.
Protein change: p.Pro437Ala; replaces proline 437 with alanine.
Molecular consequence: missense variant.
Genome position (GRCh38, 1-based): chr17:61,799,131, G>C on the plus strand (C>G on the coding strand, the complement: BRIP1 is on the minus strand). VCF-style: chr17-61799131-G-C. GRCh37 (hg19) VCF-style: chr17-59876492-G-C.
Other names: short protein forms P437A.
Identifiers: ClinVar variation 241625 (VCV000241625.16), dbSNP rs878855137, ClinGen allele CA10583634.